The following is an entry in ClinVar:

NM_016148.5(SHANK1):c.2206C>T (p.Arg736Ter)

Gene: SHANK1 (SH3 and multiple ankyrin repeat domains 1; minus strand). Cytogenetic location: 19q13.33.
Variant type: single nucleotide variant.
Coding change: c.2206C>T on transcript NM_016148.5 (MANE Select); coding-DNA position 2206, C replaced by T.
Protein change: p.Arg736Ter; replaces arginine 736 with a stop codon.
Molecular consequence: nonsense.
Genome position (GRCh38, 1-based): chr19:50,688,025, G>A on the plus strand (C>T on the coding strand, the complement: SHANK1 is on the minus strand). VCF-style: chr19-50688025-G-A. GRCh37 (hg19) VCF-style: chr19-51191282-G-A.
Other names: c.2206C>T (NM_016148.2); short protein forms R736*.
Identifiers: ClinVar variation 2681541 (VCV002681541.5), dbSNP rs866837836, ClinGen allele CA309642741.

ClinVar aggregate classification (germline): Conflicting classifications of pathogenicity. Review status: criteria provided, conflicting classifications (1 of 4 stars). 3 submissions from 3 submitters: Pathogenic (1); Uncertain significance (1). 1 of the submissions does not count toward it. Last evaluated 2026-04-30.

Conditions:
EBV-positive nodal T- and NK-cell lymphoma.
Inborn genetic diseases. Identifiers: MedGen C0950123, MeSH D030342.
SHANK1-associated neurodevelopmental disorder.

Allele frequency attached by ClinVar (database versions not stated): gnomAD exomes below 0.00001.

Submissions (3):

Ambry Genetics
Classification: Pathogenic for Inborn genetic diseases. Last evaluated: 2026-04-30. Review status: criteria provided, single submitter. Criteria: Ambry Variant Classification Scheme 2023. Collection method: clinical testing. Allele origin: germline.
Comment: The c.2206C>T (p.R736*) alteration, located in exon 17 (coding exon 17) of the SHANK1 gene, consists of a C to T substitution at nucleotide position 2206. This changes the amino acid from an arginine (R) to a stop codon at amino acid position 736. This alteration is expected to result in premature protein truncation or nonsense-mediated mRNA decay. Based on data from gnomAD, the T allele has an overall frequency of 0.001% (2/282698) total alleles studied. The highest observed frequency was 0.002% (2/129110) of European (non-Finnish) alleles. The SHANK1 c.2206C>T alteration was flagged as a low confidence call in the Genome Aggregation Database (gnomAD). Based on the available evidence, this alteration is classified as pathogenic.

Institute of Human Genetics, University of Leipzig Medical Center
Classification: Uncertain significance for SHANK1-associated neurodevelopmental disorder. Last evaluated: 2024-02-08. Review status: criteria provided, single submitter. Criteria: ACMG Guidelines, 2015. Collection method: clinical testing. Allele origin: unknown. Inheritance: Autosomal dominant inheritance. Affected: yes.
Comment: Criteria applied: PVS1

Department of Clinical Pathology, School of Medicine, Fujita Health University
Classification: Likely benign for EBV-positive nodal T- and NK-cell lymphoma. Review status: no assertion criteria provided. Collection method: research. Allele origin: unknown. Affected: yes. Not counted in ClinVar's aggregate classification.

Literature cited by the submitters: PubMed 34113010 (cited by Institute of Human Genetics, University of Leipzig Medical Center).